The following is an entry in ClinVar:

NM_001377.3(DYNC2H1):c.6551A>T (p.Asp2184Val)

Gene: DYNC2H1 (dynein cytoplasmic 2 heavy chain 1; plus strand). Cytogenetic location: 11q22.3.
Variant type: single nucleotide variant.
Coding change: c.6551A>T on transcript NM_001377.3 (MANE Select); coding-DNA position 6551, A replaced by T.
Protein change: p.Asp2184Val; replaces aspartic acid 2184 with valine.
Molecular consequence: missense variant.
Genome position (GRCh38, 1-based): chr11:103,184,969, A>T. VCF-style: chr11-103184969-A-T. GRCh37 (hg19) VCF-style: chr11-103055698-A-T.
Other names: c.6551A>T, p.Asp2184Val (NM_001080463.2); short protein forms D2184V.
Identifiers: ClinVar variation 281769 (VCV000281769.31), dbSNP rs201967064, ClinGen allele CA6254001.
Genomic context (GRCh38, chr11:103,184,969, plus strand): 5'-TAGAAACAAGTTTGGTTGGGACTGTGATGAATGGTTTGTCACATCTACATGGTTGCAGAG[A>T]TCATGACGAATTCATTATTAATCTCATAAGGGGACTTGGTGGAAATCTGAATATGAAGTC-3'
Protein context (NP_001368.2, residues 2174-2194): NGLSHLHGCR[Asp2184Val]HDEFIINLIR

ClinVar aggregate classification (germline): Conflicting classifications of pathogenicity. Review status: criteria provided, conflicting classifications (1 of 4 stars). 8 submissions from 8 submitters: Uncertain significance (3); Likely benign (4). 1 of the submissions does not count toward it. Last evaluated 2026-01-18.

Conditions:
DYNC2H1-related disorder. Also called: DYNC2H1-related condition; DYNC2H1-related disorders. Identifiers: MedGen CN378770.
Jeune thoracic dystrophy. Also called: Short-rib thoracic dysplasia; Jeune syndrome; Infantile thoracic dystrophy; Thoracic pelvic phalangeal dystrophy; Jeune's syndrome; Chondroectodermal dysplasia-like syndrome. Identifiers: Orphanet 474, MedGen C0265275, MONDO:0018770.

Allele frequency attached by ClinVar (database versions not stated): gnomAD exomes 0.00007 and 0.00019; ExAC 0.00027; TOPMed 0.00087; gnomAD 0.00094 and 0.00101; ESP Exome Variant Server 0.00125; 1000 Genomes Project 0.00140; 1000 Genomes Project 30x 0.00141.
gnomAD v4.1: 240 of 1,611,332 alleles (0.015%); highest among the groups gnomAD compares: African/African-American, 0.3%; 1 homozygote.

Submissions (8):

Labcorp Genetics (formerly Invitae), Labcorp
Classification: Likely benign for Jeune thoracic dystrophy. Last evaluated: 2026-01-18. Review status: criteria provided, single submitter. Criteria: Invitae Variant Classification Sherloc (09022015). Collection method: clinical testing. Allele origin: germline.

Women's Health and Genetics/Laboratory Corporation of America, LabCorp
Classification: Likely benign. Last evaluated: 2024-02-20. Review status: criteria provided, single submitter. Criteria: LabCorp Variant Classification Summary - May 2015. Collection method: clinical testing. Allele origin: germline.
Comment: Variant summary: DYNC2H1 c.6551A>T (p.Asp2184Val) results in a non-conservative amino acid change in the encoded protein sequence. Three of five in-silico tools predict a neutral effect of the variant on protein function. The variant allele was found at a frequency of 0.00019 in 248402 control chromosomes, predominantly at a frequency of 0.0028 within the African or African-American subpopulation in the gnomAD database. The observed variant frequency within African or African-American control individuals in the gnomAD database is slightly higher than the estimated maximal expected allele frequency for a pathogenic variant in DYNC2H1 causing Short-rib thoracic dysplasia phenotype (0.0025), suggesting that the variant is a benign polymorphism found primarily in populations of African or African-American origin. c.6551A>T has been reported in the literature in one individual affected with recurrent early pregnancy loss. These report(s) do not provide unequivocal conclusions about association of the variant with Short-rib thoracic dysplasia. To our knowledge, no experimental evidence demonstrating an impact on protein function has been reported. The following publication have been ascertained in the context of this evaluation (PMID: 26826164). ClinVar contains an entry for this variant (Variation ID: 281769). Based on the evidence outlined above, the variant was classified as likely benign.

Blueprint Genetics
Classification: Likely benign. Last evaluated: 2023-10-21. Review status: criteria provided, single submitter. Criteria: ACMG Guidelines, 2015. Collection method: clinical testing. Allele origin: germline.

GeneDx
Classification: Uncertain significance. Last evaluated: 2022-04-26. Review status: criteria provided, single submitter. Criteria: GeneDx Variant Classification Process June 2021. Collection method: clinical testing. Allele origin: germline. Affected: yes.
Comment: Identified in the the heterozygous state in an indvidual whose partner had recurrent miscarriage and was heterozygous for another variant in the DYNC2H1 gene (Qiao et al., 2016); In silico analysis supports that this missense variant has a deleterious effect on protein structure/function; This variant is associated with the following publications: (PMID: 26826164)

Genetic Services Laboratory, University of Chicago
Classification: Uncertain significance. Last evaluated: 2020-03-17. Review status: criteria provided, single submitter. Criteria: ACMG Guidelines, 2015. Collection method: clinical testing. Allele origin: germline. Affected: no.
Comment: The sequence change, c.6551A>T, in exon 41 that results in an amino acid change, p.Asp2184Val. This sequence change has been previously reported in product of conception samples of a couple with recurrent miscarriages in the compound heterozygous state along with other missense change, p.Tyr2016Cys, in the same gene (PMID: 26826164). No functional studies were performed. This sequence change has been described in the gnomAD database with a low population frequency of 0.32% in the African subpopulation (dbSNP rs201967064). The p.Asp2184Val change affects a moderately conserved amino acid residue located in a domain of the DYNC2H1 protein that is known to be functional. The p.Asp2184Val substitution appears to be benign using several in-silico pathogenicity prediction tools (SIFT, PolyPhen2, Align GVGD, REVEL). Due to these contrasting evidences and the lack of functional studies, the clinical significance of the p.Asp2184Val change remains unknown at this time.

ARUP Laboratories, Molecular Genetics and Genomics, ARUP Laboratories
Classification: Uncertain significance. Last evaluated: 2018-03-25. Review status: criteria provided, single submitter. Criteria: ARUP Molecular Germline Variant Investigation Process. Collection method: clinical testing. Allele origin: germline.
Comment: The DYNC2H1 c.6551A>T; p.Asp2184Val variant (rs201967064, ClinVar variant ID 281769) was found in the compound heterozygous state along with another DYNC2H1 variant (p.Tyr2016Cys) in two miscarriages from a family with recurrant pregnancy loss (Qiao 2106). This variant is listed in the genome Aggregation Database (gnomAD) with an African population frequency of 0.3% (identified on 75 out of 23,960 chromosomes). The aspartic acid at position 2184 is moderately conserved, considering 28 species, and computational analyses of the effects of the p.Asp2184Val variant on protein structure and function do not predict a deleterious effect (SIFT: tolerated, PolyPhen-2: benign). Based on the available information, the clinical significance of the p.Asp2184Val variant cannot be determined with certainty.

Eurofins Ntd Llc (ga)
Classification: Likely benign. Last evaluated: 2015-07-28. Review status: criteria provided, single submitter. Criteria: EGL Classification Definitions 2015. Collection method: clinical testing. Allele origin: germline. Observed: 1 variant allele, 1 heterozygote.

PreventionGenetics, part of Exact Sciences
Classification: Likely benign for DYNC2H1-related condition. Last evaluated: 2023-10-12. Review status: no assertion criteria provided. Collection method: clinical testing. Allele origin: germline. Not counted in ClinVar's aggregate classification.
Comment: This variant is classified as likely benign based on ACMG/AMP sequence variant interpretation guidelines (Richards et al. 2015 PMID: 25741868, with internal and published modifications).

Literature cited by the submitters: PubMed 26826164 (cited by Women's Health and Genetics/Laboratory Corporation of America, LabCorp).